The following is an entry in ClinVar:

NM_001098511.3(KIF2A):c.1706G>A (p.Arg569His)

Gene: KIF2A (kinesin family member 2A; plus strand). Cytogenetic location: 5q12.1.
Variant type: single nucleotide variant.
Coding change: c.1706G>A on transcript NM_001098511.3 (MANE Select); coding-DNA position 1706, G replaced by A.
Protein change: p.Arg569His; replaces arginine 569 with histidine.
Molecular consequence: missense variant. On other transcripts: intron variant (3).
Genome position (GRCh38, 1-based): chr5:62,372,497, G>A. VCF-style: chr5-62372497-G-A. GRCh37 (hg19) VCF-style: chr5-61668324-G-A.
Other names: c.1706G>A (NM_001098511.2); c.1566-1190G>A (NM_001243952.2); c.1647-1190G>A (NM_004520.5); c.1590-1190G>A (NM_001243953.2); short protein forms R569H.
Identifiers: ClinVar variation 1935155 (VCV001935155.6), dbSNP rs780183716, ClinGen allele CA3279026.

ClinVar aggregate classification (germline): Conflicting classifications of pathogenicity. Review status: criteria provided, conflicting classifications (1 of 4 stars). 2 submissions from 2 submitters: Uncertain significance (1); Likely benign (1). Last evaluated 2025-10-15.

Conditions:
Inborn genetic diseases. Identifiers: MedGen C0950123, MeSH D030342.

Allele frequency attached by ClinVar (database versions not stated): ExAC 0.00001; gnomAD exomes 0.00001.
gnomAD v4.1: 12 of 1,612,820 alleles (0.00074%); highest among the groups gnomAD compares: South Asian, 0.0011%; no homozygotes.

Submissions (2):

Ambry Genetics
Classification: Uncertain significance for Inborn genetic diseases. Last evaluated: 2025-10-15. Review status: criteria provided, single submitter. Criteria: Ambry Variant Classification Scheme 2023. Collection method: clinical testing. Allele origin: germline.
Comment: The c.1706G>A (p.R569H) alteration is located in exon 17 (coding exon 17) of the KIF2A gene. This alteration results from a G to A substitution at nucleotide position 1706, causing the arginine (R) at amino acid position 569 to be replaced by a histidine (H). Based on data from gnomAD, the A allele has an overall frequency of 0.001% (2/279692) total alleles studied. The highest observed frequency was <0.001% (/) of alleles. Based on insufficient or conflicting evidence, the clinical significance of this alteration remains unclear.

Labcorp Genetics (formerly Invitae), Labcorp
Classification: Likely benign. Last evaluated: 2024-12-02. Review status: criteria provided, single submitter. Criteria: Invitae Variant Classification Sherloc (09022015). Collection method: clinical testing. Allele origin: germline.